The following is an entry in ClinVar:

NM_015662.3(IFT172):c.-48C>T

Gene: IFT172 (intraflagellar transport 172; minus strand). Cytogenetic location: 2p23.3.
Variant type: single nucleotide variant.
Coding change: c.-48C>T on transcript NM_015662.3 (MANE Select); 48 bases upstream of the start codon, C replaced by T.
Molecular consequence: 5 prime UTR variant.
Genome position (GRCh38, 1-based): chr2:27,489,701, G>A on the plus strand (C>T on the coding strand, the complement: IFT172 is on the minus strand). VCF-style: chr2-27489701-G-A. GRCh37 (hg19) VCF-style: chr2-27712568-G-A.
Identifiers: ClinVar variation 383863 (VCV000383863.1), dbSNP rs761447649, ClinGen allele CA1581155.
Genomic context (GRCh38, chr2:27,489,701, plus strand): 5'-GCTTCAAGTGCATGACGCACACCTGTCTTTCAGATGCTCCTAGACAGCGACAACTCCCGT[G>A]GTTACCTGGACAACCCGCCACGCAGCCGCAGCGACAGGCACTGACGCTTATGCGACCGGA-3'

ClinVar aggregate classification (germline): Likely benign (1 of 4 stars; one submission).

Allele frequency attached by ClinVar (database versions not stated): ExAC 0.00004; gnomAD 0.00005 and 0.00006; gnomAD exomes 0.00005 and 0.00015; TOPMed 0.00008.
gnomAD v4.1: 209 of 1,512,742 alleles (0.014%); highest among the groups gnomAD compares: Non-Finnish European, 0.018%; no homozygotes.

Submission:

GeneDx
Classification: Likely benign. Last evaluated: 2016-02-25. Review status: criteria provided, single submitter. Criteria: GeneDx Variant Classification (06012015). Collection method: clinical testing. Allele origin: germline. Affected: yes.
Comment: This variant is considered likely benign or benign based on one or more of the following criteria: it is a conservative change, it occurs at a poorly conserved position in the protein, it is predicted to be benign by multiple in silico algorithms, and/or has population frequency not consistent with disease.